The following is an entry in ClinVar:

NM_012318.3(LETM1):c.1044T>C (p.Leu348=)

Gene: LETM1 (leucine zipper and EF-hand containing transmembrane protein 1; minus strand). Cytogenetic location: 4p16.3.
Variant type: single nucleotide variant.
Coding change: c.1044T>C on transcript NM_012318.3 (MANE Select); coding-DNA position 1044, T replaced by C.
Protein change: p.Leu348=; no amino-acid change (leucine 348 retained).
Molecular consequence: synonymous variant.
Genome position (GRCh38, 1-based): chr4:1,832,780, A>G on the plus strand (T>C on the coding strand, the complement: LETM1 is on the minus strand). VCF-style: chr4-1832780-A-G. GRCh37 (hg19) VCF-style: chr4-1834507-A-G.
Identifiers: ClinVar variation 719594 (VCV000719594.19), dbSNP rs149533538, ClinGen allele CA2811446.
Genomic context (GRCh38, chr4:1,832,780, plus strand): 5'-GGCGCGGAGTATGGCCAGGCTCACCTTGTCGTCTGCCTTTATGGAGCGCAGCCGCATGGT[A>G]AGCTGGAAGCGCAGGAAGTTGTTGGTGCCGATGGACTGTAGCTCCAGCAGCTTGCACAGG-3'
Protein context (NP_036450.1, residues 338-358): IGTNNFLRFQ[Leu348=]TMRLRSIKAD

ClinVar aggregate classification (germline): Likely benign. Review status: criteria provided, multiple submitters, no conflicts (2 of 4 stars). 5 submissions from 5 submitters: Likely benign (5). Last evaluated 2025-09-15.

Conditions:
LETM1-related disorder. Also called: LETM1-related condition.

Allele frequency attached by ClinVar (database versions not stated): 1000 Genomes Project 0.00020; 1000 Genomes Project 30x 0.00031; gnomAD exomes 0.00049 and 0.00097; ExAC 0.00055; gnomAD 0.00060 and 0.00062; TOPMed 0.00062; ESP Exome Variant Server 0.00077.
gnomAD v4.1: 1,534 of 1,614,210 alleles (0.095%); highest among the groups gnomAD compares: Non-Finnish European, 0.12%; 2 homozygotes.

Submissions (5):

Labcorp Genetics (formerly Invitae), Labcorp
Classification: Likely benign. Last evaluated: 2025-09-15. Review status: criteria provided, single submitter. Criteria: Invitae Variant Classification Sherloc (09022015). Collection method: clinical testing. Allele origin: germline.

CeGaT Center for Human Genetics Tuebingen
Classification: Likely benign. Last evaluated: 2025-09-01. Review status: criteria provided, single submitter. Criteria: CeGaT Center For Human Genetics Tuebingen Variant Classification Criteria Version 2. Collection method: clinical testing. Allele origin: germline. Affected: yes. Observed: 1 variant allele.
Comment: LETM1: BP4, BP7

Laboratory of Genetics, Children's Clinical University Hospital Latvia
Classification: Likely benign. Last evaluated: 2025-02-16. Review status: criteria provided, single submitter. Criteria: ACMG Guidelines, 2015. Collection method: clinical testing. Allele origin: germline. Affected: yes.

PreventionGenetics, part of Exact Sciences
Classification: Likely benign for LETM1-related condition. Last evaluated: 2024-12-12. Review status: criteria provided, single submitter. Criteria: ACMG Guidelines, 2015. Collection method: clinical testing. Allele origin: germline.
Comment: This variant is classified as likely benign based on ACMG/AMP sequence variant interpretation guidelines (Richards et al. 2015 PMID: 25741868, with internal and published modifications).

Breakthrough Genomics
Classification: Likely benign. Review status: criteria provided, single submitter. Criteria: ACMG Guidelines, 2015. Collection method: not provided. Allele origin: germline. Inheritance: Autosomal recessive inheritance. Affected: yes.